The following is an entry in ClinVar:

ClinVar aggregate classification (germline): Uncertain significance (1 of 4 stars; one submission).

Allele frequency attached by ClinVar (database versions not stated): TOPMed 0.00001.
gnomAD v4.1: 7 of 1,614,062 alleles (0.00043%); highest among the groups gnomAD compares: Admixed American, 0.01%; no homozygotes.

Submission:

Labcorp Genetics (formerly Invitae), Labcorp
Classification: Uncertain significance. Last evaluated: 2023-10-13. Review status: criteria provided, single submitter. Criteria: Invitae Variant Classification Sherloc (09022015). Collection method: clinical testing. Allele origin: germline.
Comment: This sequence change replaces arginine, which is basic and polar, with histidine, which is basic and polar, at codon 72 of the SLC9A1 protein (p.Arg72His). This variant is present in population databases (rs774339074, gnomAD 0.01%). This variant has not been reported in the literature in individuals affected with SLC9A1-related conditions. ClinVar contains an entry for this variant (Variation ID: 1912355). Algorithms developed to predict the effect of missense changes on protein structure and function output the following: SIFT: "Not Available"; PolyPhen-2: "Benign"; Align-GVGD: "Not Available". The histidine amino acid residue is found in multiple mammalian species, which suggests that this missense change does not adversely affect protein function. In summary, the available evidence is currently insufficient to determine the role of this variant in disease. Therefore, it has been classified as a Variant of Uncertain Significance.

NM_003047.5(SLC9A1):c.215G>A (p.Arg72His)

Gene: SLC9A1 (solute carrier family 9 member A1; minus strand). Cytogenetic location: 1p36.11.
Variant type: single nucleotide variant.
Coding change: c.215G>A on transcript NM_003047.5 (MANE Select); coding-DNA position 215, G replaced by A.
Protein change: p.Arg72His; replaces arginine 72 with histidine.
Molecular consequence: missense variant. On other transcripts: non-coding transcript variant (1).
Genome position (GRCh38, 1-based): chr1:27,154,120, C>T on the plus strand (G>A on the coding strand, the complement: SLC9A1 is on the minus strand). VCF-style: chr1-27154120-C-T. GRCh37 (hg19) VCF-style: chr1-27480611-C-T.
Other names: short protein forms R72H.
Identifiers: ClinVar variation 1912355 (VCV001912355.4), dbSNP rs774339074, ClinGen allele CA711386.